The following is an entry in ClinVar:

ClinVar aggregate classification (germline): Benign/Likely benign. Review status: criteria provided, multiple submitters, no conflicts (2 of 4 stars). 12 submissions from 12 submitters: Benign (8); Likely benign (2). 2 of the submissions do not count toward it. Last evaluated 2026-02-04.

Conditions:
Hereditary cancer-predisposing syndrome. Also called: Tumor predisposition; Neoplastic Syndromes, Hereditary; Hereditary neoplastic syndrome; Hereditary Cancer Syndrome. Identifiers: Orphanet 140162, MedGen C0027672, MeSH D009386, MONDO:0015356.
Familial atrial myxoma. Identifiers: Orphanet 615, MedGen C2931787, MONDO:0009719, OMIM 255960.
Carney complex, type 1 (CNC1). Also called: CARNEY MYXOMA-ENDOCRINE COMPLEX; CARNEY COMPLEX, TYPE I. Identifiers: Orphanet 1359, MedGen C2607929, MONDO:0008057, OMIM 160980.

Allele frequency attached by ClinVar (database versions not stated): gnomAD exomes 0.01779 and 0.02553; gnomAD 0.01781 and 0.01815; 1000 Genomes Project 30x 0.00765; 1000 Genomes Project 0.00779; TOPMed 0.01558; ESP Exome Variant Server 0.01692; ExAC 0.01750.
gnomAD v4.1: 39,725 of 1,613,516 alleles (2.5%); highest among the groups gnomAD compares: Non-Finnish European, 2.9%; 608 homozygotes.

Submissions (12):

Labcorp Genetics (formerly Invitae), Labcorp
Classification: Benign for Carney complex, type 1. Last evaluated: 2026-02-04. Review status: criteria provided, single submitter. Criteria: Invitae Variant Classification Sherloc (09022015). Collection method: clinical testing. Allele origin: germline.

ARUP Laboratories, Molecular Genetics and Genomics, ARUP Laboratories
Classification: Benign. Last evaluated: 2025-07-03. Review status: criteria provided, single submitter. Criteria: ARUP Molecular Germline Variant Investigation Process 2024. Collection method: clinical testing. Allele origin: germline.

Blueprint Genetics
Classification: Likely benign. Last evaluated: 2024-11-27. Review status: criteria provided, single submitter. Criteria: ACMG Guidelines, 2015. Collection method: clinical testing. Allele origin: germline.

Department of Pathology and Laboratory Medicine, Sinai Health System
Classification: Benign for Carney complex, type 1. Last evaluated: 2023-07-27. Review status: criteria provided, single submitter. Criteria: ACMG Guidelines, 2015. Collection method: clinical testing. Allele origin: germline. Affected: yes.

KCCC/NGS Laboratory, Kuwait Cancer Control Center
Classification: Benign for Familial atrial myxoma. Last evaluated: 2023-07-07. Review status: criteria provided, single submitter. Criteria: ACMG Guidelines, 2015. Collection method: clinical testing. Allele origin: germline. Affected: yes.

Mayo Clinic Laboratories, Mayo Clinic
Classification: Benign. Last evaluated: 2022-03-21. Review status: criteria provided, single submitter. Criteria: ACMG Guidelines, 2015. Collection method: clinical testing. Allele origin: germline. Observed: 8 variant alleles.
Comment: BS1, BP4, BP7

GeneDx
Classification: Benign. Last evaluated: 2018-05-25. Review status: criteria provided, single submitter. Criteria: GeneDx Variant Classification Process June 2021. Collection method: clinical testing. Allele origin: germline. Affected: yes.
Comment: This variant is associated with the following publications: (PMID: 20358582, 22461635)

Ambry Genetics
Classification: Benign for Hereditary cancer-predisposing syndrome. Last evaluated: 2016-12-12. Review status: criteria provided, single submitter. Criteria: Ambry Variant Classification Scheme 2023. Collection method: clinical testing. Allele origin: germline.

Breakthrough Genomics
Classification: Likely benign. Review status: criteria provided, single submitter. Criteria: ACMG Guidelines, 2015. Collection method: not provided. Allele origin: germline. Inheritance: Autosomal dominant inheritance. Affected: yes.

PreventionGenetics, part of Exact Sciences
Classification: Benign. Review status: criteria provided, single submitter. Criteria: ACMG Guidelines, 2015. Collection method: clinical testing. Allele origin: germline.

Genome Diagnostics Laboratory, Amsterdam University Medical Center
Classification: Benign. Review status: no assertion criteria provided. Collection method: clinical testing. Allele origin: germline. Affected: yes. Study: VKGL Data-share Consensus. Not counted in ClinVar's aggregate classification.

Laboratory of Diagnostic Genome Analysis, Leiden University Medical Center (LUMC)
Classification: Benign. Review status: no assertion criteria provided. Collection method: clinical testing. Allele origin: germline. Affected: yes. Study: VKGL Data-share Consensus. Not counted in ClinVar's aggregate classification.

NM_002734.5(PRKAR1A):c.87G>A (p.Ala29=)

Gene: PRKAR1A (protein kinase cAMP-dependent type I regulatory subunit alpha; plus strand). Cytogenetic location: 17q24.2.
Variant type: single nucleotide variant.
Coding change: c.87G>A on transcript NM_002734.5 (MANE Select); coding-DNA position 87, G replaced by A.
Protein change: p.Ala29=; no amino-acid change (alanine 29 retained).
Molecular consequence: synonymous variant.
Genome position (GRCh38, 1-based): chr17:68,515,486, G>A. VCF-style: chr17-68515486-G-A. GRCh37 (hg19) VCF-style: chr17-66511627-G-A.
Other names: p.Ala29=; c.87G>A, p.Ala29= (NM_001276289.2, NM_001276290.1, NM_001278433.2 and 4 more transcripts); c.87G>A (NM_212471.2).
Identifiers: ClinVar variation 41047 (VCV000041047.29), dbSNP rs3730349, ClinGen allele CA8729156.